The following is an entry in ClinVar:

NM_001365951.3(KIF1B):c.1048C>T (p.Arg350Cys)

Gene: KIF1B (kinesin family member 1B; plus strand). Cytogenetic location: 1p36.22.
Variant type: single nucleotide variant.
Coding change: c.1048C>T on transcript NM_001365951.3 (MANE Select); coding-DNA position 1048, C replaced by T.
Protein change: p.Arg350Cys; replaces arginine 350 with cysteine.
Molecular consequence: missense variant.
Genome position (GRCh38, 1-based): chr1:10,277,996, C>T. VCF-style: chr1-10277996-C-T. GRCh37 (hg19) VCF-style: chr1-10338054-C-T.
Other names: c.1048C>T, p.Arg350Cys (NM_001365952.1); c.1030C>T, p.Arg344Cys (NM_001365953.1, NM_015074.3, NM_183416.4); short protein forms R344C, R350C.
Identifiers: ClinVar variation 950966 (VCV000950966.12), dbSNP rs1649205873, ClinGen allele CA338333904.
Genomic context (GRCh38, chr1:10,277,996, plus strand): 5'-AAGTAGAACATATGAGAAATGACAAGAACAAATTTTCTTTTTGGATCTAGATATGCAGAT[C>T]GTGCAAAACAAATTAAATGCAATGCTGTTATCAATGAGGACCCCAATGCCAAACTGGTTC-3'
Protein context (NP_001352880.1, residues 340-360): ETLSTLRYAD[Arg350Cys]AKQIKCNAVI

ClinVar aggregate classification (germline): Uncertain significance. Review status: criteria provided, multiple submitters, no conflicts (2 of 4 stars). 2 submissions from 2 submitters: Uncertain significance (2). Last evaluated 2025-11-29.

Conditions:
Charcot-Marie-Tooth disease type 2. Also called: Charcot-Marie-Tooth type 2. Identifiers: Orphanet 64746, MedGen C0270914, MONDO:0018993.

gnomAD v4.1: 3 of 1,613,642 alleles (0.00019%); highest among the groups gnomAD compares: East Asian, 0.0022%; no homozygotes.

Submissions (2):

Ambry Genetics
Classification: Uncertain significance. Last evaluated: 2025-11-29. Review status: criteria provided, single submitter. Criteria: Ambry Variant Classification Scheme 2023. Collection method: clinical testing. Allele origin: germline.
Comment: The p.R344C variant (also known as c.1030C>T), located in coding exon 11 of the KIF1B gene, results from a C to T substitution at nucleotide position 1030. The arginine at codon 344 is replaced by cysteine, an amino acid with highly dissimilar properties. This amino acid position is highly conserved in available vertebrate species. In addition, this alteration is predicted to be deleterious by in silico analysis. The evidence for this gene-disease relationship is limited; therefore, the clinical significance of this alteration is unclear.

Labcorp Genetics (formerly Invitae), Labcorp
Classification: Uncertain significance for Charcot-Marie-Tooth disease type 2. Last evaluated: 2022-01-26. Review status: criteria provided, single submitter. Criteria: Invitae Variant Classification Sherloc (09022015). Collection method: clinical testing. Allele origin: germline.
Comment: In summary, the available evidence is currently insufficient to determine the role of this variant in disease. Therefore, it has been classified as a Variant of Uncertain Significance. This sequence change replaces arginine, which is basic and polar, with cysteine, which is neutral and slightly polar, at codon 344 of the KIF1B protein (p.Arg344Cys). This variant is not present in population databases (gnomAD no frequency). This variant has not been reported in the literature in individuals affected with KIF1B-related conditions. ClinVar contains an entry for this variant (Variation ID: 950966). Algorithms developed to predict the effect of missense changes on protein structure and function (SIFT, PolyPhen-2, Align-GVGD) all suggest that this variant is likely to be disruptive.